The following is an entry in ClinVar:

NM_005902.4(SMAD3):c.608-5C>T

Gene: SMAD3 (SMAD family member 3; plus strand). Cytogenetic location: 15q22.33.
Variant type: single nucleotide variant.
Coding change: c.608-5C>T on transcript NM_005902.4 (MANE Select); 5 bases into the intron before coding-DNA position 608, C replaced by T.
Molecular consequence: intron variant.
Genome position (GRCh38, 1-based): chr15:67,170,549, C>T. VCF-style: chr15-67170549-C-T. GRCh37 (hg19) VCF-style: chr15-67462887-C-T.
Other names: c.293-5C>T (NM_001145102.2); c.476-5C>T (NM_001145103.2); c.23-5C>T (NM_001145104.2).
Identifiers: ClinVar variation 2156298 (VCV002156298.6), dbSNP rs777329823, ClinGen allele CA062432.
Genomic context (GRCh38, chr15:67,170,549, plus strand): 5'-TTAGTAACTTGGCTCTCCAGGCCAAGAATCTTTTGTGAAGTCTCACAACTTGTCTCACCT[C>T]GCAGGTTCTCCAAACCTATCCCCGAATCCGATGTCCCCAGCACATAATAACTTGGGTGAG-3'

ClinVar aggregate classification (germline): Likely benign. Review status: criteria provided, multiple submitters, no conflicts (2 of 4 stars). 3 submissions from 3 submitters: Likely benign (3). Last evaluated 2023-06-08.

Conditions:
Familial thoracic aortic aneurysm and aortic dissection (TAAD). Also called: Thoracic aortic aneurysms and dissections. Identifiers: Orphanet 91387, MedGen C4707243, MONDO:0019625.
Aneurysm-osteoarthritis syndrome. Also called: LOEYS-DIETZ SYNDROME WITH OSTEOARTHRITIS; SMAD3-Related Loeys-Dietz Syndrome; Loeys-Dietz syndrome, type 1C; ANEURYSMS-OSTEOARTHRITIS SYNDROME. Identifiers: Orphanet 284984, MedGen C3151087, MONDO:0013426, OMIM 613795.

Allele frequency attached by ClinVar (database versions not stated): gnomAD exomes below 0.00001; ExAC 0.00001; gnomAD 0.00001; TOPMed 0.00001.
gnomAD v4.1: 8 of 1,613,110 alleles (0.0005%); highest among the groups gnomAD compares: East Asian, 0.0022%; no homozygotes.

Submissions (3):

All of Us Research Program, National Institutes of Health
Classification: Likely benign for Aneurysm-osteoarthritis syndrome. Last evaluated: 2023-06-08. Review status: criteria provided, single submitter. Criteria: ACMG Guidelines, 2015. Collection method: clinical testing. Allele origin: germline. Inheritance: Autosomal dominant inheritance. Observed: 2 variant alleles, 2 heterozygotes.
Comment: This study involves interpretation of variants in research participants for the purpose of population health screening. Participant phenotype was not available at the time of variant classification. Additional details can be found in publication PMID: 35346344, PMCID: PMC8962531

Labcorp Genetics (formerly Invitae), Labcorp
Classification: Likely benign for Familial thoracic aortic aneurysm and aortic dissection. Last evaluated: 2023-01-17. Review status: criteria provided, single submitter. Criteria: Invitae Variant Classification Sherloc (09022015). Collection method: clinical testing. Allele origin: germline.

Color Diagnostics, LLC DBA Color Health
Classification: Likely benign for Familial thoracic aortic aneurysm and aortic dissection. Last evaluated: 2022-09-19. Review status: criteria provided, single submitter. Criteria: ACMG Guidelines, 2015. Collection method: clinical testing. Allele origin: germline.